The following is an entry in ClinVar:

ClinVar aggregate classification (germline): Uncertain significance (1 of 4 stars; one submission).

Submission:

Labcorp Genetics (formerly Invitae), Labcorp
Classification: Uncertain significance. Last evaluated: 2025-02-04. Review status: criteria provided, single submitter. Criteria: Invitae Variant Classification Sherloc (09022015). Collection method: clinical testing. Allele origin: germline.
Comment: This sequence change replaces histidine, which is basic and polar, with aspartic acid, which is acidic and polar, at codon 616 of the SLC9A7 protein (p.His616Asp). This variant is not present in population databases (gnomAD no frequency). This variant has not been reported in the literature in individuals affected with SLC9A7-related conditions. Invitae Evidence Modeling of protein sequence and biophysical properties (such as structural, functional, and spatial information, amino acid conservation, physicochemical variation, residue mobility, and thermodynamic stability) indicates that this missense variant is not expected to disrupt SLC9A7 protein function with a negative predictive value of 80%. In summary, the available evidence is currently insufficient to determine the role of this variant in disease. Therefore, it has been classified as a Variant of Uncertain Significance.

NM_001257291.2(SLC9A7):c.1846C>G (p.His616Asp)

Gene: SLC9A7 (solute carrier family 9 member A7; minus strand). Cytogenetic location: Xp11.3.
Variant type: single nucleotide variant.
Coding change: c.1846C>G on transcript NM_001257291.2 (MANE Select); coding-DNA position 1846, C replaced by G.
Protein change: p.His616Asp; replaces histidine 616 with aspartic acid.
Molecular consequence: missense variant.
Genome position (GRCh38, 1-based): chrX:46,613,372, G>C on the plus strand (C>G on the coding strand, the complement: SLC9A7 is on the minus strand). VCF-style: chrX-46613372-G-C. GRCh37 (hg19) VCF-style: chrX-46472807-G-C.
Other names: c.1843C>G, p.His615Asp (NM_032591.3); short protein forms H616D, H615D.
Identifiers: ClinVar variation 4740298 (VCV004740298.1).